The following is an entry in ClinVar:

ClinVar aggregate classification (germline): Uncertain significance. Review status: criteria provided, multiple submitters, no conflicts (2 of 4 stars). 5 submissions from 5 submitters: Uncertain significance (5). Last evaluated 2024-11-17.

Conditions:
Inflammatory bowel disease 28. Also called: Inflammatory bowel disease 28, early onset, autosomal recessive. Identifiers: Orphanet 238569, MedGen C2751053, MONDO:0013153, OMIM 613148.

Allele frequency attached by ClinVar (database versions not stated): 1000 Genomes Project 0.00020; ExAC 0.00027; gnomAD exomes 0.00027 and 0.00029; 1000 Genomes Project 30x 0.00031; ESP Exome Variant Server 0.00031; gnomAD 0.00040 and 0.00044; TOPMed 0.00043.

Submissions (5):

Blueprint Genetics
Classification: Uncertain significance. Last evaluated: 2024-11-17. Review status: criteria provided, single submitter. Criteria: ACMG Guidelines, 2015. Collection method: clinical testing. Allele origin: germline.

Labcorp Genetics (formerly Invitae), Labcorp
Classification: Uncertain significance for Inflammatory bowel disease 28. Last evaluated: 2022-09-19. Review status: criteria provided, single submitter. Criteria: Invitae Variant Classification Sherloc (09022015). Collection method: clinical testing. Allele origin: germline.
Comment: This sequence change replaces arginine, which is basic and polar, with tryptophan, which is neutral and slightly polar, at codon 412 of the IL10RA protein (p.Arg412Trp). This variant is present in population databases (rs143538561, gnomAD 0.07%). This missense change has been observed in individual(s) with Crohn's disease (PMID: 26193622). ClinVar contains an entry for this variant (Variation ID: 538052). Advanced modeling of protein sequence and biophysical properties (such as structural, functional, and spatial information, amino acid conservation, physicochemical variation, residue mobility, and thermodynamic stability) performed at Invitae indicates that this missense variant is not expected to disrupt IL10RA protein function. In summary, the available evidence is currently insufficient to determine the role of this variant in disease. Therefore, it has been classified as a Variant of Uncertain Significance.

Fulgent Genetics
Classification: Uncertain significance for Inflammatory bowel disease 28. Last evaluated: 2021-12-30. Review status: criteria provided, single submitter. Criteria: ACMG Guidelines, 2015. Collection method: clinical testing. Allele origin: unknown.

Baylor Genetics
Classification: Uncertain significance for Inflammatory bowel disease 28. Last evaluated: 2019-09-29. Review status: criteria provided, single submitter. Criteria: ACMG Guidelines, 2015. Collection method: clinical testing. Allele origin: unknown. Affected: yes.
Comment: This variant was determined to be of uncertain significance according to ACMG Guidelines, 2015 [PMID:25741868].

Illumina Laboratory Services, Illumina
Classification: Uncertain significance for Inflammatory bowel disease 28. Last evaluated: 2017-04-27. Review status: criteria provided, single submitter. Criteria: ICSL Variant Classification Criteria 13 December 2019. Collection method: clinical testing. Allele origin: germline.
Comment: This variant was observed as part of a predisposition screen in an ostensibly healthy population. A literature search was performed for the gene, cDNA change, and amino acid change (where applicable). Publications were found based on this search. However, the evidence from the literature, in combination with allele frequency data from public databases where available, was not sufficient to rule this variant in or out of causing disease. Therefore, this variant is classified as a variant of unknown significance.

Literature cited by the submitters: PubMed 26193622 (cited by Labcorp Genetics (formerly Invitae), Labcorp and Illumina Laboratory Services, Illumina).

NM_001558.4(IL10RA):c.1234C>T (p.Arg412Trp)

Gene: IL10RA (interleukin 10 receptor subunit alpha; plus strand). Cytogenetic location: 11q23.3.
Variant type: single nucleotide variant.
Coding change: c.1234C>T on transcript NM_001558.4 (MANE Select); coding-DNA position 1234, C replaced by T.
Protein change: p.Arg412Trp; replaces arginine 412 with tryptophan.
Molecular consequence: missense variant. On other transcripts: non-coding transcript variant (1).
Genome position (GRCh38, 1-based): chr11:117,999,138, C>T. VCF-style: chr11-117999138-C-T. GRCh37 (hg19) VCF-style: chr11-117869853-C-T.
Other names: short protein forms R412W.
Identifiers: ClinVar variation 538052 (VCV000538052.13), dbSNP rs143538561, ClinGen allele CA6299141.